The following is an entry in ClinVar:

ClinVar aggregate classification (germline): Pathogenic. Review status: criteria provided, multiple submitters, no conflicts (2 of 4 stars). 2 submissions from 2 submitters: Pathogenic (2). Last evaluated 2025-01-22.

Conditions:
Niemann-Pick disease, type C1. Also called: NIEMANN-PICK DISEASE, VARIANT TYPE C1; NEUROVISCERAL STORAGE DISEASE WITH VERTICAL SUPRANUCLEAR OPHTHALMOPLEGIA; NIEMANN-PICK DISEASE WITH CHOLESTEROL ESTERIFICATION BLOCK; NIEMANN-PICK DISEASE WITHOUT SPHINGOMYELINASE DEFICIENCY; NIEMANN-PICK DISEASE, CHRONIC NEURONOPATHIC FORM. Identifiers: Orphanet 646, MedGen C3179455, MONDO:0009757, OMIM 257220.

Allele frequency attached by ClinVar (database versions not stated): gnomAD exomes below 0.00001.
gnomAD v4.1: 1 of 1,614,110 alleles (0.000062%); highest among the groups gnomAD compares: Non-Finnish European, 0.000085%; no homozygotes.

Submissions (2):

Natera, Inc.
Classification: Pathogenic for Niemann-Pick disease type C1. Last evaluated: 2025-01-22. Review status: criteria provided, single submitter. Criteria: Natera Variant Classification Schema (03/2026). Collection method: clinical testing. Allele origin: germline.
Comment: The c.1261C>T variant in NPC1 is a nonsense variant predicted to introduce a stop codon at amino acid 421. This variant is expected to result in nonsense mediated decay, truncation, or a dysfunctional protein product. This variant is rare in the general population with a frequency below the threshold expected for the associated phenotype(s). This variant has been observed in one or more individuals affected with the associated recessive disease, as either homozygous or compound heterozygous with a second variant (PMID: 16126423). Given the available evidence, this variant is classified as Pathogenic.

Labcorp Genetics (formerly Invitae), Labcorp
Classification: Pathogenic for Niemann-Pick disease, type C1. Last evaluated: 2023-12-22. Review status: criteria provided, single submitter. Criteria: Invitae Variant Classification Sherloc (09022015). Collection method: clinical testing. Allele origin: germline.
Comment: This sequence change creates a premature translational stop signal (p.Gln421*) in the NPC1 gene. It is expected to result in an absent or disrupted protein product. Loss-of-function variants in NPC1 are known to be pathogenic (PMID: 9211850). This variant is not present in population databases (gnomAD no frequency). This premature translational stop signal has been observed in individual(s) with Niemann–Pick type C disease (PMID: 16126423). ClinVar contains an entry for this variant (Variation ID: 958381). For these reasons, this variant has been classified as Pathogenic.

Literature cited by the submitters: PubMed 16126423 (cited by Natera, Inc. and Labcorp Genetics (formerly Invitae), Labcorp); PubMed 9211850 (cited by Labcorp Genetics (formerly Invitae), Labcorp).

NM_000271.5(NPC1):c.1261C>T (p.Gln421Ter)

Gene: NPC1 (NPC intracellular cholesterol transporter 1; minus strand). Cytogenetic location: 18q11.2.
Variant type: single nucleotide variant.
Coding change: c.1261C>T on transcript NM_000271.5 (MANE Select); coding-DNA position 1261, C replaced by T.
Protein change: p.Gln421Ter; replaces glutamine 421 with a stop codon.
Molecular consequence: nonsense.
Genome position (GRCh38, 1-based): chr18:23,556,308, G>A on the plus strand (C>T on the coding strand, the complement: NPC1 is on the minus strand). VCF-style: chr18-23556308-G-A. GRCh37 (hg19) VCF-style: chr18-21136272-G-A.
Other names: short protein forms Q421*.
Identifiers: ClinVar variation 958381 (VCV000958381.12), dbSNP rs2058949363, ClinGen allele CA401777355.